The following is an entry in ClinVar:

NM_020778.5(ALPK3):c.3080C>A (p.Ala1027Glu)

Gene: ALPK3 (alpha kinase 3; plus strand). Cytogenetic location: 15q25.3.
Variant type: single nucleotide variant.
Coding change: c.3080C>A on transcript NM_020778.5 (MANE Select); coding-DNA position 3080, C replaced by A.
Protein change: p.Ala1027Glu; replaces alanine 1027 with glutamic acid.
Molecular consequence: missense variant.
Genome position (GRCh38, 1-based): chr15:84,857,818, C>A. VCF-style: chr15-84857818-C-A. GRCh37 (hg19) VCF-style: chr15-85401049-C-A.
Other names: short protein forms A1027E.
Identifiers: ClinVar variation 2845533 (VCV002845533.3), dbSNP rs2505721223, ClinGen allele CA393359562.
Genomic context (GRCh38, chr15:84,857,818, plus strand): 5'-GTCCCCGGACATCGAGGCGCATCCTGGAGCGTGTGGAGAACAACCACCTGGTGCAGAGTG[C>A]ACAGACCCTGCTGCTGAGCCCCTGTACCTCCCGCCGCCTCACCGGCCTCCTGGACCGTGA-3'
Protein context (NP_065829.4, residues 1017-1037): RVENNHLVQS[Ala1027Glu]QTLLLSPCTS

ClinVar aggregate classification (germline): Uncertain significance (1 of 4 stars; one submission).

Submission:

Labcorp Genetics (formerly Invitae), Labcorp
Classification: Uncertain significance. Last evaluated: 2023-03-14. Review status: criteria provided, single submitter. Criteria: Invitae Variant Classification Sherloc (09022015). Collection method: clinical testing. Allele origin: germline.
Comment: In summary, the available evidence is currently insufficient to determine the role of this variant in disease. Therefore, it has been classified as a Variant of Uncertain Significance. Advanced modeling of protein sequence and biophysical properties (such as structural, functional, and spatial information, amino acid conservation, physicochemical variation, residue mobility, and thermodynamic stability) performed at Invitae indicates that this missense variant is expected to disrupt ALPK3 protein function. This variant has not been reported in the literature in individuals affected with ALPK3-related conditions. This variant is not present in population databases (gnomAD no frequency). This sequence change replaces alanine, which is neutral and non-polar, with glutamic acid, which is acidic and polar, at codon 1229 of the ALPK3 protein (p.Ala1229Glu).